The following is an entry in ClinVar:

GRCh37/hg19 17q12(chr17:34822465-36307773)x1

Genes: AATF (apoptosis antagonizing transcription factor; plus strand), ACACA (acetyl-CoA carboxylase alpha; minus strand), C17orf78 (chromosome 17 open reading frame 78; plus strand), DDX52 (DExD-box helicase 52; minus strand), DHRS11 (dehydrogenase/reductase 11; plus strand) and 11 more. Cytogenetic location: 17q12.
Variant type: copy number loss.
Change: copy number 1 (one copy instead of two) of chr17:34,822,465-36,307,773 (1.49 Mb, GRCh37 coordinates, 1-based), cytogenetic band 17q12.
Identifiers: ClinVar variation 564439 (VCV000564439.3).

ClinVar aggregate classification (germline): Pathogenic (1 of 4 stars; one submission).

Submission:

Quest Diagnostics Nichols Institute San Juan Capistrano
Classification: Pathogenic. Last evaluated: 2024-05-07. Review status: criteria provided, single submitter. Criteria: ACMG/ClinGen CNV Guidelines, 2019. Collection method: clinical testing. Allele origin: unknown.
Comment: This copy number loss of 17q12 encompasses gene HNF1B (OMIM 189907; ISCA-3955; Nittel 2023) and is associated with chromosome 17q12 deletion syndrome (OMIM 614527; ISCA-37432; Mitchel 2021, Rasmussen 2016), both of which are determined to be haploinsufficient. Thus, this copy number variant (CNV) is classified as pathogenic. References: Mitchel et al., GeneReviews. [2021 Oct 15]. PMID: 27929632; Nittel et al., Front Pediatr. 2023 Mar 9:11:1149875. PMID: 36969268; Rasmussen et al., Am J Med Genet A. 2016 Nov;170(11):2934-2942. PMID: 27409573